The following is an entry in ClinVar:

ClinVar aggregate classification (germline): Uncertain significance. Review status: criteria provided, multiple submitters, no conflicts (2 of 4 stars). 2 submissions from 2 submitters: Uncertain significance (2). Last evaluated 2024-01-10.

Conditions:
Duchenne muscular dystrophy (DMD). Also called: MUSCULAR DYSTROPHY, PSEUDOHYPERTROPHIC PROGRESSIVE, DUCHENNE TYPE; Duchenne Muscular Dystrophy (DMD). Identifiers: Orphanet 98896, MedGen C0013264, MONDO:0010679, OMIM 310200.
Cardiovascular phenotype. Identifiers: MedGen CN230736.

Allele frequency attached by ClinVar (database versions not stated): TOPMed 0.00001.

Submissions (2):

Labcorp Genetics (formerly Invitae), Labcorp
Classification: Uncertain significance for Duchenne muscular dystrophy. Last evaluated: 2024-01-10. Review status: criteria provided, single submitter. Criteria: Invitae Variant Classification Sherloc (09022015). Collection method: clinical testing. Allele origin: germline.
Comment: This sequence change replaces proline, which is neutral and non-polar, with histidine, which is basic and polar, at codon 3172 of the DMD protein (p.Pro3172His). This variant is not present in population databases (gnomAD no frequency). This variant has not been reported in the literature in individuals affected with DMD-related conditions. ClinVar contains an entry for this variant (Variation ID: 1767232). Advanced modeling of protein sequence and biophysical properties (such as structural, functional, and spatial information, amino acid conservation, physicochemical variation, residue mobility, and thermodynamic stability) performed at Invitae indicates that this missense variant is not expected to disrupt DMD protein function with a negative predictive value of 95%. In summary, the available evidence is currently insufficient to determine the role of this variant in disease. Therefore, it has been classified as a Variant of Uncertain Significance.

Ambry Genetics
Classification: Uncertain significance for Cardiovascular phenotype. Last evaluated: 2019-04-12. Review status: criteria provided, single submitter. Criteria: Ambry Variant Classification Scheme 2023. Collection method: clinical testing. Allele origin: germline.
Comment: The p.P3172H variant (also known as c.9515C>A), located in coding exon 65 of the DMD gene, results from a C to A substitution at nucleotide position 9515. The proline at codon 3172 is replaced by histidine, an amino acid with similar properties. This amino acid position is highly conserved in available vertebrate species. In addition, this alteration is predicted to be deleterious by in silico analysis. Since supporting evidence is limited at this time, the clinical significance of this alteration remains unclear.

NM_004006.3(DMD):c.9515C>A (p.Pro3172His)

Gene: DMD (dystrophin; minus strand). Cytogenetic location: Xp21.2.
Variant type: single nucleotide variant.
Coding change: c.9515C>A on transcript NM_004006.3 (MANE Select); coding-DNA position 9515, C replaced by A.
Protein change: p.Pro3172His; replaces proline 3172 with histidine.
Molecular consequence: missense variant.
Genome position (GRCh38, 1-based): chrX:31,209,546, G>T on the plus strand (C>A on the coding strand, the complement: DMD is on the minus strand). VCF-style: chrX-31209546-G-T. GRCh37 (hg19) VCF-style: chrX-31227663-G-T.
Other names: c.9491C>A, p.Pro3164His (NM_000109.4); c.9503C>A, p.Pro3168His (NM_004009.3); c.9146C>A, p.Pro3049His (NM_004010.3); c.5492C>A, p.Pro1831His (NM_004011.4); c.5483C>A, p.Pro1828His (NM_004012.4); c.2135C>A, p.Pro712His (NM_004013.3, NM_004020.4, NM_004021.3 and 2 more transcripts); c.1328C>A, p.Pro443His (NM_004014.3); c.311C>A, p.Pro104His (NM_004015.3, NM_004016.3, NM_004017.3 and 2 more transcripts); short protein forms P3049H, P3168H, P1828H, P3164H, P443H, P104H, P1831H, P3172H.
Identifiers: ClinVar variation 1767232 (VCV001767232.5), dbSNP rs2044434507, ClinGen allele CA412649828.